The following is an entry in ClinVar:

NM_003998.4(NFKB1):c.851G>C (p.Arg284Pro)

Gene: NFKB1 (nuclear factor kappa B subunit 1; plus strand). Cytogenetic location: 4q24.
Variant type: single nucleotide variant.
Coding change: c.851G>C on transcript NM_003998.4 (MANE Select); coding-DNA position 851, G replaced by C.
Protein change: p.Arg284Pro; replaces arginine 284 with proline.
Molecular consequence: missense variant.
Genome position (GRCh38, 1-based): chr4:102,582,881, G>C. VCF-style: chr4-102582881-G-C. GRCh37 (hg19) VCF-style: chr4-103504038-G-C.
Other names: c.848G>C, p.Arg283Pro (NM_001165412.2, NM_001319226.2, NM_001382627.1); c.851G>C, p.Arg284Pro (NM_001382625.1, NM_001382626.1); c.809G>C, p.Arg270Pro (NM_001382628.1); short protein forms R270P, R283P, R284P.
Identifiers: ClinVar variation 1000105 (VCV001000105.5), dbSNP rs1725424009, ClinGen allele CA357960460.

ClinVar aggregate classification (germline): Uncertain significance (1 of 4 stars; one submission).

Submission:

Labcorp Genetics (formerly Invitae), Labcorp
Classification: Uncertain significance. Last evaluated: 2023-12-11. Review status: criteria provided, single submitter. Criteria: Invitae Variant Classification Sherloc (09022015). Collection method: clinical testing. Allele origin: germline.
Comment: This sequence change replaces arginine, which is basic and polar, with proline, which is neutral and non-polar, at codon 284 of the NFKB1 protein (p.Arg284Pro). This variant is not present in population databases (gnomAD no frequency). This variant has not been reported in the literature in individuals affected with NFKB1-related conditions. ClinVar contains an entry for this variant (Variation ID: 1000105). Advanced modeling of protein sequence and biophysical properties (such as structural, functional, and spatial information, amino acid conservation, physicochemical variation, residue mobility, and thermodynamic stability) performed at Invitae indicates that this missense variant is expected to disrupt NFKB1 protein function with a positive predictive value of 80%. In summary, the available evidence is currently insufficient to determine the role of this variant in disease. Therefore, it has been classified as a Variant of Uncertain Significance.